The following is an entry in ClinVar:

ClinVar aggregate classification (germline): Uncertain significance (1 of 4 stars; one submission).

Submission:

Labcorp Genetics (formerly Invitae), Labcorp
Classification: Uncertain significance. Last evaluated: 2025-03-03. Review status: criteria provided, single submitter. Criteria: Invitae Variant Classification Sherloc (09022015). Collection method: clinical testing. Allele origin: germline.
Comment: This sequence change affects an acceptor splice site in intron 36 of the HMCN1 gene. It is expected to disrupt RNA splicing. Variants that disrupt the donor or acceptor splice site typically lead to a loss of protein function (PMID: 16199547), however the current clinical and genetic evidence is not sufficient to establish whether loss-of-function variants in HMCN1 cause disease. This variant is not present in population databases (gnomAD no frequency). This variant has not been reported in the literature in individuals affected with HMCN1-related conditions. ClinVar contains an entry for this variant (Variation ID: 2706719). Algorithms developed to predict the effect of sequence changes on RNA splicing suggest that this variant may disrupt the consensus splice site. In summary, the available evidence is currently insufficient to determine the role of this variant in disease. Therefore, it has been classified as a Variant of Uncertain Significance.

Literature cited by the submitters: PubMed 16199547.

NM_031935.3(HMCN1):c.5750-2A>G

Gene: HMCN1 (hemicentin 1; plus strand). Cytogenetic location: 1q31.1.
Variant type: single nucleotide variant.
Coding change: c.5750-2A>G on transcript NM_031935.3 (MANE Select); the canonical splice acceptor site of the intron before coding-DNA position 5750, A replaced by G.
Molecular consequence: splice acceptor variant.
Genome position (GRCh38, 1-based): chr1:186,037,932, A>G. VCF-style: chr1-186037932-A-G. GRCh37 (hg19) VCF-style: chr1-186007064-A-G.
Identifiers: ClinVar variation 2706719 (VCV002706719.3), dbSNP rs2527629696, ClinGen allele CA343897866.